The following is an entry in ClinVar:

ClinVar aggregate classification (germline): Uncertain significance (1 of 4 stars; one submission).

Submission:

Women's Health and Genetics/Laboratory Corporation of America, LabCorp
Classification: Uncertain significance. Last evaluated: 2026-06-10. Review status: criteria provided, single submitter. Criteria: LabCorp Variant Classification Summary - May 2015. Collection method: clinical testing. Allele origin: germline.
Comment: Variant summary: ALPL c.499A>G (p.Thr167Ala) results in a non-conservative amino acid change in the encoded protein sequence. Algorithms developed to predict the effect of missense changes on protein structure and function all suggest that this variant is likely to be disruptive. The variant was absent in 250944 control chromosomes. The available data on variant occurrences in the general population are insufficient to allow any conclusion about variant significance. To our knowledge, no occurrence of c.499A>G in individuals affected with ALPL-related conditions and no experimental evidence demonstrating its impact on protein function have been reported. ClinVar contains an entry for this variant (Variation ID: 495881). Based on the evidence outlined above, the variant was classified as uncertain significance.

NM_000478.6(ALPL):c.499A>G (p.Thr167Ala)

Gene: ALPL (alkaline phosphatase, biomineralization associated; plus strand). Cytogenetic location: 1p36.12.
Variant type: single nucleotide variant.
Coding change: c.499A>G on transcript NM_000478.6 (MANE Select); coding-DNA position 499, A replaced by G.
Protein change: p.Thr167Ala; replaces threonine 167 with alanine.
Molecular consequence: missense variant.
Genome position (GRCh38, 1-based): chr1:21,564,067, A>G. VCF-style: chr1-21564067-A-G. GRCh37 (hg19) VCF-style: chr1-21890560-A-G.
Other names: c.334A>G, p.Thr112Ala (NM_001127501.4); c.268A>G, p.Thr90Ala (NM_001177520.3); c.499A>G, p.Thr167Ala (NM_001369803.2, NM_001369804.2, NM_001369805.2); short protein forms T167A, T90A, T112A.
Identifiers: ClinVar variation 495881 (VCV000495881.2), dbSNP rs1553412481, ClinGen allele CA338877785.